The following is an entry in ClinVar:

NM_006662.3(SRCAP):c.1073A>G (p.Asp358Gly)

Gene: SRCAP (Snf2 related CREBBP activator protein; plus strand). Cytogenetic location: 16p11.2.
Variant type: single nucleotide variant.
Coding change: c.1073A>G on transcript NM_006662.3 (MANE Select); coding-DNA position 1073, A replaced by G.
Protein change: p.Asp358Gly; replaces aspartic acid 358 with glycine.
Molecular consequence: missense variant.
Genome position (GRCh38, 1-based): chr16:30,710,067, A>G. VCF-style: chr16-30710067-A-G. GRCh37 (hg19) VCF-style: chr16-30721388-A-G.
Other names: short protein forms D358G.
Identifiers: ClinVar variation 996887 (VCV000996887.9), dbSNP rs778737366, ClinGen allele CA8010814.

ClinVar aggregate classification (germline): Conflicting classifications of pathogenicity. Review status: criteria provided, conflicting classifications (1 of 4 stars). 3 submissions from 3 submitters: Uncertain significance (2); Likely benign (1). Last evaluated 2025-11-03.

Conditions:
Floating-Harbor syndrome (FLHS). Also called: Short stature with delayed bone age, expressive language delay, a triangular face with a prominent nose and deep-set eyes; Pelletier-Leisti syndrome; SRCAP-Related Floating-Harbor Syndrome. Identifiers: Orphanet 2044, MedGen C0729582, MONDO:0007621, OMIM 136140.
Inborn genetic diseases. Identifiers: MedGen C0950123, MeSH D030342.

Allele frequency attached by ClinVar (database versions not stated): TOPMed 0.00003; gnomAD 0.00004 and 0.00005; gnomAD exomes 0.00005; ExAC 0.00007.
gnomAD v4.1: 62 of 1,613,924 alleles (0.0038%); highest among the groups gnomAD compares: Non-Finnish European, 0.0042%; no homozygotes.

Submissions (3):

Ambry Genetics
Classification: Likely benign for Inborn genetic diseases. Last evaluated: 2025-11-03. Review status: criteria provided, single submitter. Criteria: Ambry Variant Classification Scheme 2023. Collection method: clinical testing. Allele origin: germline.

Labcorp Genetics (formerly Invitae), Labcorp
Classification: Uncertain significance. Last evaluated: 2025-03-05. Review status: criteria provided, single submitter. Criteria: Invitae Variant Classification Sherloc (09022015). Collection method: clinical testing. Allele origin: germline.
Comment: This sequence change replaces aspartic acid, which is acidic and polar, with glycine, which is neutral and non-polar, at codon 358 of the SRCAP protein (p.Asp358Gly). This variant is present in population databases (rs778737366, gnomAD 0.008%). This variant has not been reported in the literature in individuals affected with SRCAP-related conditions. ClinVar contains an entry for this variant (Variation ID: 996887). Invitae Evidence Modeling of protein sequence and biophysical properties (such as structural, functional, and spatial information, amino acid conservation, physicochemical variation, residue mobility, and thermodynamic stability) indicates that this missense variant is not expected to disrupt SRCAP protein function with a negative predictive value of 80%. In summary, the available evidence is currently insufficient to determine the role of this variant in disease. Therefore, it has been classified as a Variant of Uncertain Significance.

New York Genome Center
Classification: Uncertain significance for Floating-Harbor syndrome. Last evaluated: 2019-10-10. Review status: criteria provided, single submitter. Criteria: NYGC Assertion Criteria 2020. Collection method: clinical testing. Allele origin: germline. Inheritance: Autosomal dominant inheritance. Observed: 1 heterozygote. Study: CSER-NYCKidSeq.